The following is an entry in ClinVar:

ClinVar aggregate classification (germline): Likely benign. Review status: reviewed by expert panel (3 of 4 stars). 4 submissions from 4 submitters: Likely benign (1). 3 of the submissions do not count toward it. Last evaluated 2023-06-16.

Conditions:
Angelman syndrome (AS). Also called: HAPPY PUPPET SYNDROME. Identifiers: Orphanet 72, MedGen C0162635, MONDO:0007113, OMIM 105830. Disease mechanism: loss of function. Inheritance: imprinting disorder, AS is caused by disruption of maternally imprinted UBE3A located within the 15q11.2-q13 Angelman syndrome/Prader-Willi syndrome (AS/PWS) region..

Allele frequency attached by ClinVar (database versions not stated): gnomAD exomes below 0.00001 and 0.00001; ExAC 0.00001; gnomAD 0.00003 and 0.00004; TOPMed 0.00004.
gnomAD v4.1: 22 of 1,614,012 alleles (0.0014%); highest among the groups gnomAD compares: Non-Finnish European, 0.0019%; no homozygotes.

Submissions (4):

ClinGen Rett and Angelman-like Disorders Variant Curation Expert Panel
Classification: Likely benign for Angelman syndrome. Last evaluated: 2023-06-16. Review status: reviewed by expert panel. Criteria: ClinGen RettAS ACMG Specifications UBE3A V4.0.0. Collection method: curation. Allele origin: germline. Inheritance: Autosomal dominant inheritance.
Comment: The c.1422T>C p.Asn474= variant in UBE3A (NM_130838.2) is present in gnomAD v2.1.1 at a frequency of 0.0062% in the European (non-Finnish) sub population (no criteria met). The silent p.Asn474= variant is not predicted to affect splicing using multiple computational tools and does not affect a highly conserved nucleotide (BP4, BP7). In summary, the c.1422T>C p.Asn474= variant in UBE3A is classified as Likely Benign based on the ACMG/AMP criteria (BP4, BP7).

Blueprint Genetics
Classification: Likely benign. Last evaluated: 2024-08-22. Review status: criteria provided, single submitter. Criteria: ACMG Guidelines, 2015. Collection method: clinical testing. Allele origin: germline. Not counted in ClinVar's aggregate classification.

Labcorp Genetics (formerly Invitae), Labcorp
Classification: Likely benign for Angelman syndrome. Last evaluated: 2024-04-17. Review status: criteria provided, single submitter. Criteria: Invitae Variant Classification Sherloc (09022015). Collection method: clinical testing. Allele origin: germline. Not counted in ClinVar's aggregate classification.

GeneDx
Classification: Likely benign. Last evaluated: 2020-10-23. Review status: criteria provided, single submitter. Criteria: GeneDx Variant Classification Process June 2021. Collection method: clinical testing. Allele origin: germline. Affected: yes. Not counted in ClinVar's aggregate classification.

NM_130839.5(UBE3A):c.1482T>C (p.Asn494=)

Genes: SNHG14 (small nucleolar RNA host gene 14; plus strand), UBE3A (ubiquitin protein ligase E3A; minus strand). Cytogenetic location: 15q11.2.
Variant type: single nucleotide variant.
Coding change: c.1482T>C on transcript NM_130839.5 (MANE Select); coding-DNA position 1482, T replaced by C.
Protein change: p.Asn494=; no amino-acid change (asparagine 494 retained).
Molecular consequence: synonymous variant. On other transcripts: non-coding transcript variant (1), intron variant (2).
Genome position (GRCh38, 1-based): chr15:25,370,692, A>G on the plus strand (T>C on the coding strand, the complement: UBE3A is on the minus strand). VCF-style: chr15-25370692-A-G. GRCh37 (hg19) VCF-style: chr15-25615839-A-G.
Other names: NM_130839.5(UBE3A):c.1482T>C; p.Asn494=; c.1422T>C, p.Asn474= (NM_001354513.2, NM_001354523.2, NM_001354526.1 and 17 more transcripts); c.1482T>C, p.Asn494= (NM_001354538.2, NM_001354545.2, NM_001354505.1); c.1305T>C, p.Asn435= (NM_001354546.2); c.301+4773T>C (NM_001354551.2); c.361+4773T>C (NM_001354550.2); c.1491T>C, p.Asn497= (NM_000462.5).
Identifiers: ClinVar variation 650099 (VCV000650099.13), dbSNP rs776564692, ClinGen allele CA7435533.
Genomic context (GRCh38, chr15:25,370,692, plus strand): 5'-CTGTCCTTGAACTAAGCTGTAGAGAACAGTGATTCTTCGTTCACTGTACATGCGAATTCT[A>G]TTGTCATAATATAATCCCAAATTCTTTGTGACAGCATTCAATATAAAGGGACATGTCATA-3'
Protein context (NP_570854.1, residues 484-504): VTKNLGLYYD[Asn494=]RIRMYSERRI